The following is an entry in ClinVar:

NM_019594.4(LRRC8A):c.1636C>A (p.Leu546Ile)

Gene: LRRC8A (leucine rich repeat containing 8 VRAC subunit A; plus strand). Cytogenetic location: 9q34.11.
Variant type: single nucleotide variant.
Coding change: c.1636C>A on transcript NM_019594.4 (MANE Select); coding-DNA position 1636, C replaced by A.
Protein change: p.Leu546Ile; replaces leucine 546 with isoleucine.
Molecular consequence: missense variant.
Genome position (GRCh38, 1-based): chr9:128,908,800, C>A. VCF-style: chr9-128908800-C-A. GRCh37 (hg19) VCF-style: chr9-131671079-C-A.
Other names: c.1636C>A, p.Leu546Ile (NM_001127244.2, NM_001127245.2); short protein forms L546I.
Identifiers: ClinVar variation 2852872 (VCV002852872.3), dbSNP rs2491879965, ClinGen allele CA375083416.

ClinVar aggregate classification (germline): Uncertain significance (1 of 4 stars; one submission).

Submission:

Labcorp Genetics (formerly Invitae), Labcorp
Classification: Uncertain significance. Last evaluated: 2023-04-06. Review status: criteria provided, single submitter. Criteria: Invitae Variant Classification Sherloc (09022015). Collection method: clinical testing. Allele origin: germline.
Comment: This variant has not been reported in the literature in individuals affected with LRRC8A-related conditions. An algorithm developed to predict the effect of missense changes on protein structure and function (PolyPhen-2) suggests that this variant is likely to be disruptive. In summary, the available evidence is currently insufficient to determine the role of this variant in disease. Therefore, it has been classified as a Variant of Uncertain Significance. This sequence change replaces leucine, which is neutral and non-polar, with isoleucine, which is neutral and non-polar, at codon 546 of the LRRC8A protein (p.Leu546Ile). This variant is not present in population databases (gnomAD no frequency).